The following is an entry in ClinVar:

ClinVar aggregate classification (germline): Uncertain significance (1 of 4 stars; one submission).

Conditions:
Severe early-onset pulmonary alveolar proteinosis due to MARS deficiency. Also called: PULMONARY ALVEOLAR PROTEINOSIS, REUNION ISLAND; Interstitial lung and liver disease. Identifiers: Orphanet 440427, MedGen C4225400, MONDO:0014206, OMIM 615486.
Charcot-Marie-Tooth disease axonal type 2U. Also called: CHARCOT-MARIE-TOOTH NEUROPATHY, TYPE 2U; CHARCOT-MARIE-TOOTH DISEASE, AXONAL, AUTOSOMAL DOMINANT, TYPE 2U. Identifiers: Orphanet 397735, MedGen C4084821, MONDO:0014566, OMIM 616280.

Submission:

Labcorp Genetics (formerly Invitae), Labcorp
Classification: Uncertain significance for Charcot-Marie-Tooth disease axonal type 2U; Severe early-onset pulmonary alveolar proteinosis due to MARS deficiency. Last evaluated: 2019-12-12. Review status: criteria provided, single submitter. Criteria: Invitae Variant Classification Sherloc (09022015). Collection method: clinical testing. Allele origin: germline.
Comment: In summary, the available evidence is currently insufficient to determine the role of this variant in disease. Therefore, it has been classified as a Variant of Uncertain Significance. Algorithms developed to predict the effect of missense changes on protein structure and function do not agree on the potential impact of this missense change (SIFT: "Deleterious"; PolyPhen-2: "Benign"; Align-GVGD: "Class C0"). This variant has not been reported in the literature in individuals with MARS-related disease. This variant is not present in population databases (ExAC no frequency). This sequence change replaces proline with serine at codon 206 of the MARS protein (p.Pro206Ser). The proline residue is highly conserved and there is a moderate physicochemical difference between proline and serine.

NM_004990.4(MARS1):c.616C>T (p.Pro206Ser)

Gene: MARS1 (methionyl-tRNA synthetase 1; plus strand). Cytogenetic location: 12q13.3.
Variant type: single nucleotide variant.
Coding change: c.616C>T on transcript NM_004990.4 (MANE Select); coding-DNA position 616, C replaced by T.
Protein change: p.Pro206Ser; replaces proline 206 with serine.
Molecular consequence: missense variant.
Genome position (GRCh38, 1-based): chr12:57,490,332, C>T. VCF-style: chr12-57490332-C-T. GRCh37 (hg19) VCF-style: chr12-57884115-C-T.
Other names: short protein forms P206S.
Identifiers: ClinVar variation 573196 (VCV000573196.10), dbSNP rs1565637642, ClinGen allele CA385492083.